The following is an entry in ClinVar:

ClinVar aggregate classification (germline): Benign/Likely benign. Review status: criteria provided, multiple submitters, no conflicts (2 of 4 stars). 3 submissions from 3 submitters: Benign (1); Likely benign (2). Last evaluated 2025-07-14.

Conditions:
Familial adenomatous polyposis 1 (FAP1). Also called: FAMILIAL ADENOMATOUS POLYPOSIS 1, ATTENUATED; POLYPOSIS, ADENOMATOUS INTESTINAL. Identifiers: MedGen C2713442, MONDO:0021056, OMIM 175100. Disease mechanism: loss of function.
Hereditary cancer-predisposing syndrome. Also called: Neoplastic Syndromes, Hereditary; Hereditary Cancer Syndrome; Tumor predisposition; Hereditary neoplastic syndrome. Identifiers: Orphanet 140162, MedGen C0027672, MeSH D009386, MONDO:0015356.

Submissions (3):

Ambry Genetics
Classification: Likely benign for Hereditary cancer-predisposing syndrome. Last evaluated: 2025-07-14. Review status: criteria provided, single submitter. Criteria: Ambry Variant Classification Scheme 2023. Collection method: clinical testing. Allele origin: germline.

Myriad Genetics, Inc.
Classification: Benign for Familial adenomatous polyposis 1. Last evaluated: 2024-03-14. Review status: criteria provided, single submitter. Criteria: Myriad Autosomal Dominant, Autosomal Recessive and X-Linked Classification Criteria (2023). Collection method: clinical testing. Allele origin: unknown.
Comment: This variant is considered benign. This variant is a silent/synonymous amino acid change and it is not expected to impact splicing.

Labcorp Genetics (formerly Invitae), Labcorp
Classification: Likely benign for Familial adenomatous polyposis 1. Last evaluated: 2022-07-19. Review status: criteria provided, single submitter. Criteria: Invitae Variant Classification Sherloc (09022015). Collection method: clinical testing. Allele origin: germline.

NM_000038.6(APC):c.2586C>T (p.Asn862=)

Gene: APC (APC regulator of Wnt signaling pathway; plus strand). Cytogenetic location: 5q22.2.
Variant type: single nucleotide variant.
Coding change: c.2586C>T on transcript NM_000038.6 (MANE Select); coding-DNA position 2586, C replaced by T.
Protein change: p.Asn862=; no amino-acid change (asparagine 862 retained).
Molecular consequence: synonymous variant.
Genome position (GRCh38, 1-based): chr5:112,838,180, C>T. VCF-style: chr5-112838180-C-T. GRCh37 (hg19) VCF-style: chr5-112173877-C-T.
Other names: c.2586C>T (NM_000038.5); c.2586C>T, p.Asn862= (NM_001127510.3, NM_001354895.2); c.2532C>T, p.Asn844= (NM_001127511.3); c.2640C>T, p.Asn880= (NM_001354896.2); c.2616C>T, p.Asn872= (NM_001354897.2); c.2511C>T, p.Asn837= (NM_001354898.2); c.2502C>T, p.Asn834= (NM_001354899.2); c.2463C>T, p.Asn821= (NM_001354900.2); and 6 more.
Identifiers: ClinVar variation 1131881 (VCV001131881.12), dbSNP rs147972247, ClinGen allele CA445962915.